The following is an entry in ClinVar:

ClinVar aggregate classification (germline): Uncertain significance (1 of 4 stars; one submission).

Conditions:
Autosomal recessive polycystic kidney disease (ARPKD). Also called: AR polycystic kidney disease. Identifiers: Orphanet 731, Orphanet 8378, MedGen C0085548, MeSH D017044, MONDO:0009889.

Allele frequency attached by ClinVar (database versions not stated): TOPMed 0.00001.

Submission:

Labcorp Genetics (formerly Invitae), Labcorp
Classification: Uncertain significance for Autosomal recessive polycystic kidney disease. Last evaluated: 2025-06-12. Review status: criteria provided, single submitter. Criteria: Invitae Variant Classification Sherloc (09022015). Collection method: clinical testing. Allele origin: germline.
Comment: This sequence change replaces aspartic acid, which is acidic and polar, with glycine, which is neutral and non-polar, at codon 839 of the PKHD1 protein (p.Asp839Gly). This variant is not present in population databases (gnomAD no frequency). This variant has not been reported in the literature in individuals affected with PKHD1-related conditions. ClinVar contains an entry for this variant (Variation ID: 2187414). Invitae Evidence Modeling of protein sequence and biophysical properties (such as structural, functional, and spatial information, amino acid conservation, physicochemical variation, residue mobility, and thermodynamic stability) has been performed for this missense variant. However, the output from this modeling did not meet the statistical confidence thresholds required to predict the impact of this variant on PKHD1 protein function. In summary, the available evidence is currently insufficient to determine the role of this variant in disease. Therefore, it has been classified as a Variant of Uncertain Significance.

NM_138694.4(PKHD1):c.2516A>G (p.Asp839Gly)

Gene: PKHD1 (PKHD1 ciliary IPT domain containing fibrocystin/polyductin; minus strand). Cytogenetic location: 6p12.2.
Variant type: single nucleotide variant.
Coding change: c.2516A>G on transcript NM_138694.4 (MANE Select); coding-DNA position 2516, A replaced by G.
Protein change: p.Asp839Gly; replaces aspartic acid 839 with glycine.
Molecular consequence: missense variant.
Genome position (GRCh38, 1-based): chr6:52,046,080, T>C on the plus strand (A>G on the coding strand, the complement: PKHD1 is on the minus strand). VCF-style: chr6-52046080-T-C. GRCh37 (hg19) VCF-style: chr6-51910878-T-C.
Other names: c.2516A>G, p.Asp839Gly (NM_170724.3); short protein forms D839G.
Identifiers: ClinVar variation 2187414 (VCV002187414.4), dbSNP rs1805765209, ClinGen allele CA364443181.
Genomic context (GRCh38, chr6:52,046,080, plus strand): 5'-AAATCCCCAATCTGAGTGGACCAGGACAAGGTCCACACGTGTTCGTAGCAAGTGTATAGA[T>C]CCTCCTTCACAGTGAAGTCACTGGCATTGAGGTACCTGGATGTGAAGTCATCGGCATTAT-3'
Protein context (NP_619639.3, residues 829-849): LNASDFTVKE[Asp839Gly]LYTCYEHVWT